The following is an entry in ClinVar:

NM_000179.3(MSH6):c.3690del (p.Val1231fs)

Gene: MSH6 (mutS homolog 6; plus strand). Cytogenetic location: 2p16.3.
Variant type: Deletion.
Coding change: c.3690del on transcript NM_000179.3 (MANE Select); coding-DNA position 3690, one base deleted (A; older notation c.3690delA).
Protein change: p.Val1231fs; shifts the reading frame from valine 1231.
Molecular consequence: frameshift variant.
Genome position (GRCh38, 1-based): chr2:47,806,247, A deleted. VCF-style (leftmost placement, unchanged base first): chr2-47806246-CA-C. GRCh37 (hg19) VCF-style: chr2-48033385-CA-C.
Other names: c.3690delA (NM_000179.2); c.3300del, p.Val1101fs (NM_001281492.2); c.2784del, p.Val929fs (NM_001281493.2, NM_001281494.2); short protein forms V1101fs, V929fs, V1231fs.
Identifiers: ClinVar variation 182682 (VCV000182682.12), dbSNP rs730881829, ClinGen allele CA013835.
Genomic context (GRCh38, chr2:47,806,246, plus strand): 5'-CATATTTTACTTTAACAGGAAGAGGTACTGCAACATTTGATGGGACGGCAATAGCAAATG[CA>C]GTTGTTAAAGAACTTGCTGAGACTATAAAATGTCGTACATTATTTTCAACTCACTACCAT-3'

ClinVar aggregate classification (germline): Pathogenic. Review status: criteria provided, multiple submitters, no conflicts (2 of 4 stars). 4 submissions from 3 submitters: Pathogenic (4). Last evaluated 2024-02-08.

Conditions:
Hereditary nonpolyposis colorectal neoplasms. Identifiers: MedGen C0009405, MeSH D003123.
Lynch syndrome. Identifiers: Orphanet 144, MedGen C4552100, MONDO:0005835. Disease mechanism: loss of function.
Endometrial carcinoma. Also called: Endometrial carcinoma, somatic. Identifiers: MedGen C0476089, MONDO:0002447, OMIM 608089, HP:0012114.

Submissions (4):

Labcorp Genetics (formerly Invitae), Labcorp
Classification: Pathogenic for Hereditary nonpolyposis colorectal neoplasms. Last evaluated: 2024-02-08. Review status: criteria provided, single submitter. Criteria: Invitae Variant Classification Sherloc (09022015). Collection method: clinical testing. Allele origin: germline.
Comment: This sequence change creates a premature translational stop signal (p.Val1231Leufs*9) in the MSH6 gene. It is expected to result in an absent or disrupted protein product. Loss-of-function variants in MSH6 are known to be pathogenic (PMID: 18269114, 24362816). This variant is not present in population databases (gnomAD no frequency). This premature translational stop signal has been observed in individual(s) with endometrial cancer (PMID: 26681312). ClinVar contains an entry for this variant (Variation ID: 182682). For these reasons, this variant has been classified as Pathogenic.

Baylor Genetics
Classification: Pathogenic for Endometrial carcinoma. Last evaluated: 2023-04-05. Review status: criteria provided, single submitter. Criteria: ACMG Guidelines, 2015. Collection method: clinical testing. Allele origin: unknown.

Labcorp Genetics (formerly Invitae), Labcorp
Classification: Pathogenic for Hereditary nonpolyposis colorectal neoplasms. Last evaluated: 2015-10-29. Review status: criteria provided, single submitter. Criteria: Invitae Variant Classification Sherloc (09022015). Collection method: clinical testing. Allele origin: germline.
Comment: This sequence change deletes 1 nucleotide from exon 8 of the MSH6 mRNA (c.3690delA), causing a frameshift at codon 1231. This creates a premature translational stop signal (p.Val1231Leufs*9) and is expected to result in an absent or disrupted protein product. While this particular variant has not been reported in the literature, truncating variants in MSH6 are known to be pathogenic (PMID: 24362816, 18269114). For these reasons, this variant has been classified as Pathogenic.

GeneDx
Classification: Pathogenic. Last evaluated: 2014-07-29. Review status: criteria provided, single submitter. Criteria: GeneDx Variant Classification (06012015). Collection method: clinical testing. Allele origin: germline. Affected: yes.
Comment: This deletion of one nucleotide in MSH6 is denoted c.3690delA at the cDNA level and p.Val1231LeufsX9 (V1231LfsX9) at the protein level. The normal sequence, with the bases that are deleted in brackets, is ATGC[A]GTTG. The deletion causes a frameshift, which changes a Valine to a Leucine at codon 1231, and creates a premature stop codon at position 9 of the new reading frame. Although this variant has not, to our knowledge, been reported in the literature, it is predicted to cause loss of normal protein function through either protein truncation or nonsense-mediated mRNA decay. we consider this variant to be pathogenic.

Literature cited by the submitters: PubMed 18269114 (cited by Labcorp Genetics (formerly Invitae), Labcorp); PubMed 24362816 (cited by Labcorp Genetics (formerly Invitae), Labcorp); PubMed 26681312 (cited by Labcorp Genetics (formerly Invitae), Labcorp).